The following is an entry in ClinVar:

NM_001131016.2(CIZ1):c.1346C>A (p.Pro449His)

Gene: CIZ1 (CDKN1A interacting zinc finger protein 1; minus strand). Cytogenetic location: 9q34.11.
Variant type: single nucleotide variant.
Coding change: c.1346C>A on transcript NM_001131016.2 (MANE Select); coding-DNA position 1346, C replaced by A.
Protein change: p.Pro449His; replaces proline 449 with histidine.
Molecular consequence: missense variant.
Genome position (GRCh38, 1-based): chr9:128,178,861, G>T on the plus strand (C>A on the coding strand, the complement: CIZ1 is on the minus strand). VCF-style: chr9-128178861-G-T. GRCh37 (hg19) VCF-style: chr9-130941140-G-T.
Other names: c.1178C>A, p.Pro393His (NM_001131015.2); c.1163C>A, p.Pro388His (NM_001131017.2); c.1106C>A, p.Pro369His (NM_001131018.2); c.1436C>A, p.Pro479His (NM_001257975.2); c.1043C>A, p.Pro348His (NM_001257976.2); c.1346C>A, p.Pro449His (NM_012127.3); short protein forms P348H, P369H, P388H, P393H, P449H, P479H.
Identifiers: ClinVar variation 5040160 (VCV005040160.1).

ClinVar aggregate classification (germline): Uncertain significance (1 of 4 stars; one submission).

Submission:

CeGaT Center for Human Genetics Tuebingen
Classification: Uncertain significance. Last evaluated: 2026-07-01. Review status: criteria provided, single submitter. Criteria: CeGaT Center For Human Genetics Tuebingen Variant Classification Criteria Version 2. Collection method: clinical testing. Allele origin: germline. Affected: yes. Observed: 1 variant allele.
Comment: CIZ1: PM2, BP4